The following is an entry in ClinVar:

ClinVar aggregate classification (germline): Uncertain significance (1 of 4 stars; one submission).

Submission:

GeneDx
Classification: Uncertain significance. Last evaluated: 2022-05-27. Review status: criteria provided, single submitter. Criteria: GeneDx Variant Classification Process June 2021. Collection method: clinical testing. Allele origin: germline. Affected: yes.
Comment: Not observed at significant frequency in large population cohorts (gnomAD); In silico analysis supports that this missense variant does not alter protein structure/function; Has not been previously published as pathogenic or benign to our knowledge

NM_001145026.2(PTPRQ):c.3586T>C (p.Ser1196Pro)

Gene: PTPRQ (protein tyrosine phosphatase receptor type Q; plus strand). Cytogenetic location: 12q21.31.
Variant type: single nucleotide variant.
Coding change: c.3586T>C on transcript NM_001145026.2 (MANE Select); coding-DNA position 3586, T replaced by C.
Protein change: p.Ser1196Pro; replaces serine 1196 with proline.
Molecular consequence: missense variant.
Genome position (GRCh38, 1-based): chr12:80,542,229, T>C. VCF-style: chr12-80542229-T-C. GRCh37 (hg19) VCF-style: chr12-80936008-T-C.
Other names: short protein forms S1196P.
Identifiers: ClinVar variation 1801082 (VCV001801082.1), dbSNP rs2541603914, ClinGen allele CA385875229.
Genomic context (GRCh38, chr12:80,542,229, plus strand): 5'-AAGCCAAATGGTGCAATAATAAGTTATGATTTAACTTTACAAGGACCAAATGAAAATTAT[T>C]CTTTCATTACTTCTGATAATTACATAATATTGGAAGAGCTTTCACCATTTACATTATATA-3'
Protein context (NP_001138498.1, residues 1186-1206): LTLQGPNENY[Ser1196Pro]FITSDNYIIL